The following is an entry in ClinVar:

ClinVar aggregate classification (germline): Uncertain significance. Review status: criteria provided, multiple submitters, no conflicts (2 of 4 stars). 2 submissions from 2 submitters: Uncertain significance (2). Last evaluated 2025-11-10.

Conditions:
Hereditary cancer-predisposing syndrome. Also called: Tumor predisposition; Hereditary Cancer Syndrome; Neoplastic Syndromes, Hereditary; Hereditary neoplastic syndrome. Identifiers: Orphanet 140162, MedGen C0027672, MeSH D009386, MONDO:0015356.
Neuroblastoma, susceptibility to, 3. Also called: ALK-Related Neuroblastic Tumor Susceptibility. Identifiers: Orphanet 635, MedGen C2751681, MONDO:0013083, OMIM 613014.

gnomAD v4.1: 2 of 1,612,644 alleles (0.00012%); highest among the groups gnomAD compares: Non-Finnish European, 0.00017%; no homozygotes.

Submissions (2):

Labcorp Genetics (formerly Invitae), Labcorp
Classification: Uncertain significance for Neuroblastoma, susceptibility to, 3. Last evaluated: 2025-11-10. Review status: criteria provided, single submitter. Criteria: Invitae Variant Classification Sherloc (09022015). Collection method: clinical testing. Allele origin: germline.
Comment: This sequence change replaces lysine, which is basic and polar, with threonine, which is neutral and polar, at codon 1416 of the ALK protein (p.Lys1416Thr). This variant is not present in population databases (gnomAD no frequency). This variant has not been reported in the literature in individuals affected with ALK-related conditions. ClinVar contains an entry for this variant (Variation ID: 1014664). An algorithm developed to predict the effect of missense changes on protein structure and function (PolyPhen-2) suggests that this variant is likely to be tolerated. In summary, the available evidence is currently insufficient to determine the role of this variant in disease. Therefore, it has been classified as a Variant of Uncertain Significance.

Ambry Genetics
Classification: Uncertain significance for Hereditary cancer-predisposing syndrome. Last evaluated: 2025-08-31. Review status: criteria provided, single submitter. Criteria: Ambry Variant Classification Scheme 2023. Collection method: clinical testing. Allele origin: germline.
Comment: The p.K1416T variant (also known as c.4247A>C), located in coding exon 29 of the ALK gene, results from an A to C substitution at nucleotide position 4247. The lysine at codon 1416 is replaced by threonine, an amino acid with similar properties. This amino acid position is conserved. In addition, this alteration is predicted to be tolerated by in silico analysis. Since supporting evidence is limited at this time, the clinical significance of this alteration remains unclear.

NM_004304.5(ALK):c.4247A>C (p.Lys1416Thr)

Gene: ALK (ALK receptor tyrosine kinase; minus strand). Cytogenetic location: 2p23.2.
Variant type: single nucleotide variant.
Coding change: c.4247A>C on transcript NM_004304.5 (MANE Select); coding-DNA position 4247, A replaced by C.
Protein change: p.Lys1416Thr; replaces lysine 1416 with threonine.
Molecular consequence: missense variant.
Genome position (GRCh38, 1-based): chr2:29,193,840, T>G on the plus strand (A>C on the coding strand, the complement: ALK is on the minus strand). VCF-style: chr2-29193840-T-G. GRCh37 (hg19) VCF-style: chr2-29416706-T-G.
Other names: c.1043A>C, p.Lys348Thr (NM_001353765.2); short protein forms K1416T, K348T.
Identifiers: ClinVar variation 1014664 (VCV001014664.10), dbSNP rs1558604110, ClinGen allele CA346463080.